The following is an entry in ClinVar:

ClinVar aggregate classification (germline): Uncertain significance. Review status: criteria provided, multiple submitters, no conflicts (2 of 4 stars). 2 submissions from 2 submitters: Uncertain significance (2). Last evaluated 2025-11-04.

Conditions:
Developmental and epileptic encephalopathy 94 (DEE94). Also called: Epileptic encephalopathy, childhood-onset; CHD2-Related Neurodevelopmental Disorders. Identifiers: Orphanet 1942, Orphanet 2382, MedGen C3809278, MONDO:0014150, OMIM 615369.

Submissions (2):

Women's Health and Genetics/Laboratory Corporation of America, LabCorp
Classification: Uncertain significance. Last evaluated: 2025-11-04. Review status: criteria provided, single submitter. Criteria: LabCorp Variant Classification Summary - May 2015. Collection method: clinical testing. Allele origin: germline.
Comment: Variant summary: CHD2 c.3484C>G (p.Leu1162Val) results in a conservative amino acid change in the encoded protein sequence. Algorithms developed to predict the effect of missense changes on protein structure and function are either unavailable or do not agree on the potential impact of this missense change. The variant was absent in 250904 control chromosomes. The available data on variant occurrences in the general population are insufficient to allow any conclusion about variant significance. To our knowledge, no occurrence of c.3484C>G in individuals affected with CHD2-related conditions and no experimental evidence demonstrating its impact on protein function have been reported. ClinVar contains an entry for this variant (Variation ID: 1058645). Based on the evidence outlined above, the variant was classified as uncertain significance.

Labcorp Genetics (formerly Invitae), Labcorp
Classification: Uncertain significance for Developmental and epileptic encephalopathy 94. Last evaluated: 2022-08-23. Review status: criteria provided, single submitter. Criteria: Invitae Variant Classification Sherloc (09022015). Collection method: clinical testing. Allele origin: germline.
Comment: ClinVar contains an entry for this variant (Variation ID: 1058645). In summary, the available evidence is currently insufficient to determine the role of this variant in disease. Therefore, it has been classified as a Variant of Uncertain Significance. Advanced modeling of protein sequence and biophysical properties (such as structural, functional, and spatial information, amino acid conservation, physicochemical variation, residue mobility, and thermodynamic stability) performed at Invitae indicates that this missense variant is not expected to disrupt CHD2 protein function. This variant has not been reported in the literature in individuals affected with CHD2-related conditions. This variant is not present in population databases (gnomAD no frequency). This sequence change replaces leucine, which is neutral and non-polar, with valine, which is neutral and non-polar, at codon 1162 of the CHD2 protein (p.Leu1162Val).

NM_001271.4(CHD2):c.3484C>G (p.Leu1162Val)

Gene: CHD2 (chromodomain helicase DNA binding protein 2; plus strand). Cytogenetic location: 15q26.1.
Variant type: single nucleotide variant.
Coding change: c.3484C>G on transcript NM_001271.4 (MANE Select); coding-DNA position 3484, C replaced by G.
Protein change: p.Leu1162Val; replaces leucine 1162 with valine.
Molecular consequence: missense variant.
Genome position (GRCh38, 1-based): chr15:92,992,887, C>G. VCF-style: chr15-92992887-C-G. GRCh37 (hg19) VCF-style: chr15-93536117-C-G.
Other names: short protein forms L1162V.
Identifiers: ClinVar variation 1058645 (VCV001058645.10), dbSNP rs2141861616, ClinGen allele CA393896580.
Genomic context (GRCh38, chr15:92,992,887, plus strand): 5'-CCTAAAGTGTCCCCATATTTGTTCCTCCTCAGGCTGGAGTGCATAGCACGTGATGCTGAG[C>G]TGGTAGATAAGTCGGTGGCAGATCTGAAGCGCCTGGGTGAACTGATCCACAACAGCTGTG-3'
Protein context (NP_001262.3, residues 1152-1172): RLECIARDAE[Leu1162Val]VDKSVADLKR